The following is an entry in ClinVar:

ClinVar aggregate classification (germline): Likely benign. Review status: criteria provided, single submitter (1 of 4 stars). 2 submissions from 2 submitters: Likely benign (1). 1 of the submissions does not count toward it. Last evaluated 2023-02-24.

Conditions:
KIDINS220-related disorder. Also called: KIDINS220-related condition.

gnomAD v4.1: 7 of 1,609,646 alleles (0.00043%); highest among the groups gnomAD compares: African/African-American, 0.0053%; no homozygotes.

Submissions (2):

Labcorp Genetics (formerly Invitae), Labcorp
Classification: Likely benign. Last evaluated: 2023-02-24. Review status: criteria provided, single submitter. Criteria: Invitae Variant Classification Sherloc (09022015). Collection method: clinical testing. Allele origin: germline.

PreventionGenetics, part of Exact Sciences
Classification: Likely benign for KIDINS220-related condition. Last evaluated: 2022-11-23. Review status: no assertion criteria provided. Collection method: clinical testing. Allele origin: germline. Not counted in ClinVar's aggregate classification.
Comment: This variant is classified as likely benign based on ACMG/AMP sequence variant interpretation guidelines (Richards et al. 2015 PMID: 25741868, with internal and published modifications).

NM_020738.4(KIDINS220):c.42G>A (p.Glu14=)

Gene: KIDINS220 (kinase D interacting substrate 220; minus strand). Cytogenetic location: 2p25.1.
Variant type: single nucleotide variant.
Coding change: c.42G>A on transcript NM_020738.4 (MANE Select); coding-DNA position 42, G replaced by A.
Protein change: p.Glu14=; no amino-acid change (glutamic acid 14 retained).
Molecular consequence: synonymous variant. On other transcripts: 5 prime UTR variant (1), non-coding transcript variant (2).
Genome position (GRCh38, 1-based): chr2:8,827,052, C>T on the plus strand (G>A on the coding strand, the complement: KIDINS220 is on the minus strand). VCF-style: chr2-8827052-C-T. GRCh37 (hg19) VCF-style: chr2-8967182-C-T.
Other names: c.42G>A, p.Glu14= (NM_001348742.2, NM_001348743.2, NM_001348745.2 and 9 more transcripts); c.-256G>A (NM_001348736.2); c.42G>A (NM_020738.2).
Identifiers: ClinVar variation 2906909 (VCV002906909.5), dbSNP rs140222575, ClinGen allele CA1520558.
Genomic context (GRCh38, chr2:8,827,052, plus strand): 5'-TCTCTCATCTACATCTTTGCATTTTTCAAGAAGAGCTTTCAGAGCAGGAATGTTTTCTTC[C>T]TCTACATAATTTATGACGCTCTGTGATATCAAAACTGACATTTTCACAGAAAGCTGCAAT-3'
Protein context (NP_065789.1, residues 4-24): LISQSVINYV[Glu14=]EENIPALKAL